The following is an entry in ClinVar:

ClinVar aggregate classification (germline): Uncertain significance (1 of 4 stars; one submission).

Conditions:
Nephronophthisis. Also called: Juvenile Nephronophthisis. Identifiers: Orphanet 655, MedGen C0687120, MONDO:0019005, HP:0000090.

Allele frequency attached by ClinVar (database versions not stated): gnomAD exomes 0.00001; ExAC 0.00002.
gnomAD v4.1: 4 of 1,613,954 alleles (0.00025%); highest among the groups gnomAD compares: South Asian, 0.0022%; no homozygotes.

Submission:

Labcorp Genetics (formerly Invitae), Labcorp
Classification: Uncertain significance for Nephronophthisis. Last evaluated: 2023-12-04. Review status: criteria provided, single submitter. Criteria: Invitae Variant Classification Sherloc (09022015). Collection method: clinical testing. Allele origin: germline.
Comment: This sequence change replaces arginine, which is basic and polar, with histidine, which is basic and polar, at codon 1305 of the NPHP3 protein (p.Arg1305His). This variant is present in population databases (rs781537576, gnomAD 0.006%). This variant has not been reported in the literature in individuals affected with NPHP3-related conditions. ClinVar contains an entry for this variant (Variation ID: 963751). Advanced modeling of protein sequence and biophysical properties (such as structural, functional, and spatial information, amino acid conservation, physicochemical variation, residue mobility, and thermodynamic stability) performed at Invitae indicates that this missense variant is not expected to disrupt NPHP3 protein function with a negative predictive value of 80%. In summary, the available evidence is currently insufficient to determine the role of this variant in disease. Therefore, it has been classified as a Variant of Uncertain Significance.

NM_153240.5(NPHP3):c.3914G>A (p.Arg1305His)

Genes: NPHP3-ACAD11 (NPHP3-ACAD11 readthrough (NMD candidate); minus strand), NPHP3 (nephrocystin 3; minus strand). Cytogenetic location: 3q22.1.
Variant type: single nucleotide variant.
Coding change: c.3914G>A on transcript NM_153240.5 (MANE Select); coding-DNA position 3914, G replaced by A.
Protein change: p.Arg1305His; replaces arginine 1305 with histidine.
Molecular consequence: missense variant. On other transcripts: non-coding transcript variant (1).
Genome position (GRCh38, 1-based): chr3:132,681,989, C>T on the plus strand (G>A on the coding strand, the complement: NPHP3 is on the minus strand). VCF-style: chr3-132681989-C-T. GRCh37 (hg19) VCF-style: chr3-132400833-C-T.
Other names: short protein forms R1305H.
Identifiers: ClinVar variation 963751 (VCV000963751.9), dbSNP rs781537576, ClinGen allele CA2621601.